The following is an entry in ClinVar:

NM_006922.4(SCN3A):c.2626G>A (p.Gly876Ser)

Gene: SCN3A (sodium voltage-gated channel alpha subunit 3; minus strand). Cytogenetic location: 2q24.3.
Variant type: single nucleotide variant.
Coding change: c.2626G>A on transcript NM_006922.4 (MANE Select); coding-DNA position 2626, G replaced by A.
Protein change: p.Gly876Ser; replaces glycine 876 with serine.
Molecular consequence: missense variant.
Genome position (GRCh38, 1-based): chr2:165,130,236, C>T on the plus strand (G>A on the coding strand, the complement: SCN3A is on the minus strand). VCF-style: chr2-165130236-C-T. GRCh37 (hg19) VCF-style: chr2-165986746-C-T.
Other names: NM_006922.4(SCN3A):c.2626G>A; p.Gly876Ser; c.2479G>A, p.Gly827Ser (NM_001081676.2, NM_001081677.2); short protein forms G827S, G876S.
Identifiers: ClinVar variation 1049951 (VCV001049951.30), dbSNP rs1687231087, ClinGen allele CA349042893.

ClinVar aggregate classification (germline): Uncertain significance. Review status: reviewed by expert panel (3 of 4 stars). 4 submissions from 4 submitters: Uncertain significance (1). 3 of the submissions do not count toward it. Last evaluated 2023-06-27.

Conditions:
Genetic developmental and epileptic encephalopathy. Identifiers: MedGen CN379639, MONDO:0100062.

Allele frequency attached by ClinVar (database versions not stated): TOPMed below 0.00001; gnomAD 0.00001; gnomAD exomes 0.00001.
gnomAD v4.1: 10 of 1,614,012 alleles (0.00062%); highest among the groups gnomAD compares: African/African-American, 0.0013%; no homozygotes.

Submissions (4):

ClinGen Epilepsy Sodium Channel Variant Curation Expert Panel, Clingen
Classification: Uncertain significance for Genetic developmental and epileptic encephalopathy. Last evaluated: 2023-06-27. Review status: reviewed by expert panel. Criteria: ClinGen EpilepsySCN ACMG Specifications SCN3A V1.0.0. Collection method: curation. Allele origin: germline. Inheritance: Autosomal dominant inheritance.
Comment: The c.2626G>A (NM_006922.4) variant in SCN3A is a missense variant predicted to cause substitution of Glycine by Serine at amino acid 876 (p.Gly876Ser). This variant is present in gnomAD v.3 at 0.002% (1/414346). The computational predictor REVEL gives a score of 0.948, which is above the threshold of 0.932, evidence that correlates with impact to SCN3A function (PP3_moderate). Of note, another missense variant c.2651G>A, p.Gly884Ser [PMID:35944423] in the same codon in a paralogous gene (SCN1A) has been classified as likely pathogenic for GEFS+by the ClinGen Epilepsy Sodium Channel VCEP (PM5_Supporting). In summary, this variant meets the criteria to be classified as a Variant of Uncertain Significance for Developmental and Epileptic Encephalopathy. ACMG/AMP criteria applied as specified by the ClinGen Epilepsy Sodium Channel VCEP: PS1_supporting, PP3_Moderate (v1.0; June 27, 2023).

CeGaT Center for Human Genetics Tuebingen
Classification: Uncertain significance. Last evaluated: 2024-03-01. Review status: criteria provided, single submitter. Criteria: CeGaT Center For Human Genetics Tuebingen Variant Classification Criteria Version 2. Collection method: clinical testing. Allele origin: germline. Affected: yes. Observed: 1 variant allele. Not counted in ClinVar's aggregate classification.
Comment: SCN3A: PP2, PP3

Labcorp Genetics (formerly Invitae), Labcorp
Classification: Uncertain significance. Last evaluated: 2022-03-18. Review status: criteria provided, single submitter. Criteria: Invitae Variant Classification Sherloc (09022015). Collection method: clinical testing. Allele origin: germline. Not counted in ClinVar's aggregate classification.
Comment: ClinVar contains an entry for this variant (Variation ID: 1049951). This sequence change replaces glycine, which is neutral and non-polar, with serine, which is neutral and polar, at codon 876 of the SCN3A protein (p.Gly876Ser). This variant is not present in population databases (gnomAD no frequency). This variant has not been reported in the literature in individuals affected with SCN3A-related conditions. Algorithms developed to predict the effect of missense changes on protein structure and function are either unavailable or do not agree on the potential impact of this missense change (SIFT: "Tolerated"; PolyPhen-2: "Probably Damaging"; Align-GVGD: "Class C0"). In summary, the available evidence is currently insufficient to determine the role of this variant in disease. Therefore, it has been classified as a Variant of Uncertain Significance.

Department of Pathology and Laboratory Medicine, Sinai Health System
Classification: Uncertain significance. Review status: no assertion criteria provided. Collection method: clinical testing. Allele origin: unknown. Affected: yes. Study: The Canadian Open Genetics Repository (COGR). Not counted in ClinVar's aggregate classification.
Comment: The SCN3A p.Gly827Ser variant was not identified in the literature nor was it identified in dbSNP, ClinVar or in the following control databases: the 1000 Genomes Project, the NHLBI GO Exome Sequencing Project, or the Genome Aggregation Database (March 6, 2019, v2.1.1). The p.Gly827 residue is not conserved in mammals and computational analyses (PolyPhen-2, SIFT, AlignGVGD, BLOSUM, MutationTaster) provide inconsistent predictions regarding the impact to the protein; this information is not very predictive of pathogenicity. The variant occurs outside of the splicing consensus sequence and three of four in silico or computational prediction software programs (SpliceSiteFinder, MaxEntScan, NNSPLICE, GeneSplicer) do not predict a greater than 10% difference in splicing; this is not very predictive of pathogenicity. In summary, based on the above information the clinical significance of this variant cannot be determined with certainty at this time. This variant is classified as a variant of uncertain significance.